The following is an entry in ClinVar:

ClinVar aggregate classification (germline): Uncertain significance (1 of 4 stars; one submission).

Allele frequency attached by ClinVar (database versions not stated): ESP Exome Variant Server 0.00015; gnomAD 0.00017; TOPMed 0.00030.
gnomAD v4.1: 341 of 1,608,442 alleles (0.021%); highest among the groups gnomAD compares: Middle Eastern, 0.16%; no homozygotes.

Submission:

Labcorp Genetics (formerly Invitae), Labcorp
Classification: Uncertain significance. Last evaluated: 2025-07-08. Review status: criteria provided, single submitter. Criteria: Invitae Variant Classification Sherloc (09022015). Collection method: clinical testing. Allele origin: germline.
Comment: This sequence change replaces glycine, which is neutral and non-polar, with serine, which is neutral and polar, at codon 492 of the AGAP1 protein (p.Gly492Ser). This variant is present in population databases (rs201718104, gnomAD 0.07%), and has an allele count higher than expected for a pathogenic variant. This variant has not been reported in the literature in individuals affected with AGAP1-related conditions. ClinVar contains an entry for this variant (Variation ID: 2075041). An algorithm developed to predict the effect of missense changes on protein structure and function outputs the following: PolyPhen-2: "Benign". The serine amino acid residue is found in multiple mammalian species, which suggests that this missense change does not adversely affect protein function. In summary, the available evidence is currently insufficient to determine the role of this variant in disease. Therefore, it has been classified as a Variant of Uncertain Significance.

NM_001037131.3(AGAP1):c.1633G>A (p.Gly545Ser)

Gene: AGAP1 (ArfGAP with GTPase domain, ankyrin repeat and PH domain 1; plus strand). Cytogenetic location: 2q37.2.
Variant type: single nucleotide variant.
Coding change: c.1633G>A on transcript NM_001037131.3 (MANE Select); coding-DNA position 1633, G replaced by A.
Protein change: p.Gly545Ser; replaces glycine 545 with serine.
Molecular consequence: missense variant.
Genome position (GRCh38, 1-based): chr2:235,968,611, G>A. VCF-style: chr2-235968611-G-A. GRCh37 (hg19) VCF-style: chr2-236877255-G-A.
Other names: c.1474G>A, p.Gly492Ser (NM_014914.5); short protein forms G492S, G545S.
Identifiers: ClinVar variation 2075041 (VCV002075041.4), dbSNP rs201718104, ClinGen allele CA2184934.